The following is an entry in ClinVar:

NM_000419.5(ITGA2B):c.2190A>G (p.Ile730Met)

Gene: ITGA2B (integrin subunit alpha 2b; minus strand). Cytogenetic location: 17q21.31.
Variant type: single nucleotide variant.
Coding change: c.2190A>G on transcript NM_000419.5 (MANE Select); coding-DNA position 2190, A replaced by G.
Protein change: p.Ile730Met; replaces isoleucine 730 with methionine.
Molecular consequence: missense variant.
Genome position (GRCh38, 1-based): chr17:44,377,086, T>C on the plus strand (A>G on the coding strand, the complement: ITGA2B is on the minus strand). VCF-style: chr17-44377086-T-C. GRCh37 (hg19) VCF-style: chr17-42454454-T-C.
Other names: short protein forms I730M.
Identifiers: ClinVar variation 4799435 (VCV004799435.1).

ClinVar aggregate classification (germline): Uncertain significance (1 of 4 stars; one submission).

Conditions:
Glanzmann thrombasthenia. Also called: BLEEDING DISORDER, PLATELET-TYPE, 2; THROMBASTHENIA OF GLANZMANN AND NAEGELI; PLATELET GLYCOPROTEIN IIb-IIIa DEFICIENCY; Thrombasthenia; Glanzmann's thrombasthenia. Identifiers: Orphanet 849, MedGen C0040015, MONDO:0100326.

gnomAD v4.1: 1 of 1,571,710 alleles (0.000064%); no homozygotes.

Submission:

Labcorp Genetics (formerly Invitae), Labcorp
Classification: Uncertain significance for Glanzmann thrombasthenia. Last evaluated: 2025-09-18. Review status: criteria provided, single submitter. Criteria: Invitae Variant Classification Sherloc (09022015). Collection method: clinical testing. Allele origin: germline.
Comment: This sequence change replaces isoleucine, which is neutral and non-polar, with methionine, which is neutral and non-polar, at codon 730 of the ITGA2B protein (p.Ile730Met). This variant is not present in population databases (gnomAD no frequency). This variant has not been reported in the literature in individuals affected with ITGA2B-related conditions. An algorithm developed to predict the effect of missense changes on protein structure and function outputs the following: PolyPhen-2: "Possibly Damaging". The methionine amino acid residue is found in multiple mammalian species, which suggests that this missense change does not adversely affect protein function. In summary, the available evidence is currently insufficient to determine the role of this variant in disease. Therefore, it has been classified as a Variant of Uncertain Significance.